The following is an entry in ClinVar:

NM_005902.4(SMAD3):c.990C>T (p.Thr330=)

Gene: SMAD3 (SMAD family member 3; plus strand). Cytogenetic location: 15q22.33.
Variant type: single nucleotide variant.
Coding change: c.990C>T on transcript NM_005902.4 (MANE Select); coding-DNA position 990, C replaced by T.
Protein change: p.Thr330=; no amino-acid change (threonine 330 retained).
Molecular consequence: synonymous variant.
Genome position (GRCh38, 1-based): chr15:67,184,845, C>T. VCF-style: chr15-67184845-C-T. GRCh37 (hg19) VCF-style: chr15-67477183-C-T.
Other names: c.675C>T, p.Thr225= (NM_001145102.2); c.858C>T, p.Thr286= (NM_001145103.2); c.405C>T, p.Thr135= (NM_001145104.2).
Identifiers: ClinVar variation 259889 (VCV000259889.45), dbSNP rs774470515, ClinGen allele CA062878.

ClinVar aggregate classification (germline): Benign/Likely benign. Review status: criteria provided, multiple submitters, no conflicts (2 of 4 stars). 9 submissions from 9 submitters: Benign (1); Likely benign (8). Last evaluated 2025-12-20.

Conditions:
Familial thoracic aortic aneurysm and aortic dissection (TAAD). Also called: Thoracic aortic aneurysms and dissections. Identifiers: Orphanet 91387, MedGen C4707243, MONDO:0019625.
Aneurysm-osteoarthritis syndrome. Also called: ANEURYSMS-OSTEOARTHRITIS SYNDROME; Loeys-Dietz syndrome, type 1C; LOEYS-DIETZ SYNDROME WITH OSTEOARTHRITIS; SMAD3-Related Loeys-Dietz Syndrome. Identifiers: Orphanet 284984, MedGen C3151087, MONDO:0013426, OMIM 613795.

Allele frequency attached by ClinVar (database versions not stated): gnomAD exomes 0.00009 and 0.00008; TOPMed 0.00009; gnomAD 0.00005 and 0.00006; ExAC 0.00007.
gnomAD v4.1: 147 of 1,613,032 alleles (0.0091%); highest among the groups gnomAD compares: Middle Eastern, 0.019%; no homozygotes.

Submissions (9):

Labcorp Genetics (formerly Invitae), Labcorp
Classification: Likely benign for Familial thoracic aortic aneurysm and aortic dissection. Last evaluated: 2025-12-20. Review status: criteria provided, single submitter. Criteria: Invitae Variant Classification Sherloc (09022015). Collection method: clinical testing. Allele origin: germline.

Blueprint Genetics
Classification: Likely benign. Last evaluated: 2024-10-29. Review status: criteria provided, single submitter. Criteria: ACMG Guidelines, 2015. Collection method: clinical testing. Allele origin: germline.

CeGaT Center for Human Genetics Tuebingen
Classification: Likely benign. Last evaluated: 2024-06-01. Review status: criteria provided, single submitter. Criteria: CeGaT Center For Human Genetics Tuebingen Variant Classification Criteria Version 2. Collection method: clinical testing. Allele origin: germline. Affected: yes. Observed: 2 variant alleles.
Comment: SMAD3: BP4, BP7

All of Us Research Program, National Institutes of Health
Classification: Likely benign for Aneurysm-osteoarthritis syndrome. Last evaluated: 2023-11-30. Review status: criteria provided, single submitter. Criteria: ACMG Guidelines, 2015. Collection method: clinical testing. Allele origin: germline. Inheritance: Autosomal dominant inheritance. Observed: 20 variant alleles, 20 heterozygotes.
Comment: This study involves interpretation of variants in research participants for the purpose of population health screening. Participant phenotype was not available at the time of variant classification. Additional details can be found in publication PMID: 35346344, PMCID: PMC8962531

Women's Health and Genetics/Laboratory Corporation of America, LabCorp
Classification: Benign. Last evaluated: 2023-10-09. Review status: criteria provided, single submitter. Criteria: LabCorp Variant Classification Summary - May 2015. Collection method: clinical testing. Allele origin: germline.

Ambry Genetics
Classification: Likely benign for Familial thoracic aortic aneurysm and aortic dissection. Last evaluated: 2023-02-18. Review status: criteria provided, single submitter. Criteria: Ambry Variant Classification Scheme 2023. Collection method: clinical testing. Allele origin: germline.

GeneDx
Classification: Likely benign. Last evaluated: 2022-04-26. Review status: criteria provided, single submitter. Criteria: GeneDx Variant Classification Process June 2021. Collection method: clinical testing. Allele origin: germline. Affected: yes.
Comment: See Variant Classification Assertion Criteria.

Color Diagnostics, LLC DBA Color Health
Classification: Likely benign for Familial thoracic aortic aneurysm and aortic dissection. Last evaluated: 2019-06-10. Review status: criteria provided, single submitter. Criteria: ACMG Guidelines, 2015. Collection method: clinical testing. Allele origin: germline.

PreventionGenetics, part of Exact Sciences
Classification: Likely benign. Review status: criteria provided, single submitter. Criteria: ACMG Guidelines, 2015. Collection method: clinical testing. Allele origin: germline.